The following is an entry in ClinVar:

NM_004766.3(COPB2):c.1714A>G (p.Arg572Gly)

Gene: COPB2 (coat protein complex I subunit beta 2; minus strand). Cytogenetic location: 3q23.
Variant type: single nucleotide variant.
Coding change: c.1714A>G on transcript NM_004766.3 (MANE Select); coding-DNA position 1714, A replaced by G.
Protein change: p.Arg572Gly; replaces arginine 572 with glycine.
Molecular consequence: missense variant. On other transcripts: non-coding transcript variant (1).
Genome position (GRCh38, 1-based): chr3:139,366,738, T>C on the plus strand (A>G on the coding strand, the complement: COPB2 is on the minus strand). VCF-style: chr3-139366738-T-C. GRCh37 (hg19) VCF-style: chr3-139085580-T-C.
Other names: c.1627A>G, p.Arg543Gly (NM_001410834.1); short protein forms R543G, R572G.
Identifiers: ClinVar variation 4869339 (VCV004869339.1).
Genomic context (GRCh38, chr3:139,366,738, plus strand): 5'-GGACTGAAACCAGCAGGGAATAGCTAATGATGTTCAATTCTTTATCCCCCAGATAAAGCC[T>C]GTTGTCTTTAGGAATGTAGCCTAGGAGATACATCGTCCTATAAAAGAAACAGAAACCAAG-3'
Protein context (NP_004757.1, residues 562-582): YLLGYIPKDN[Arg572Gly]LYLGDKELNI

ClinVar aggregate classification (germline): Uncertain significance (1 of 4 stars; one submission).

Conditions:
Inborn genetic diseases. Identifiers: MedGen C0950123, MeSH D030342.

gnomAD v4.1: 1 of 1,613,978 alleles (0.000062%); highest among the groups gnomAD compares: Non-Finnish European, 0.000085%; no homozygotes.

Submission:

Ambry Genetics
Classification: Uncertain significance for Inborn genetic diseases. Last evaluated: 2026-05-14. Review status: criteria provided, single submitter. Criteria: Ambry Variant Classification Scheme 2023. Collection method: clinical testing. Allele origin: germline.
Comment: The c.1714A>G (p.R572G) alteration is located in exon 15 (coding exon 15) of the COPB2 gene. This alteration results from a A to G substitution at nucleotide position 1714, causing the arginine (R) at amino acid position 572 to be replaced by a glycine (G). Based on data from gnomAD, the G allele has an overall frequency of 0.003% (1/31404) total alleles studied. The highest observed frequency was 0.007% (1/15426) of European (non-Finnish) alleles. Based on insufficient or conflicting evidence, the clinical significance of this alteration remains unclear.